The following is an entry in ClinVar:

NM_001378452.1(ITPR1):c.2112C>G (p.Ser704Arg)

Gene: ITPR1 (inositol 1,4,5-trisphosphate receptor type 1; plus strand). Cytogenetic location: 3p26.1.
Variant type: single nucleotide variant.
Coding change: c.2112C>G on transcript NM_001378452.1 (MANE Select); coding-DNA position 2112, C replaced by G.
Protein change: p.Ser704Arg; replaces serine 704 with arginine.
Molecular consequence: missense variant.
Genome position (GRCh38, 1-based): chr3:4,670,834, C>G. VCF-style: chr3-4670834-C-G. GRCh37 (hg19) VCF-style: chr3-4712518-C-G.
Other names: c.2112C>G, p.Ser704Arg (NM_001099952.4); c.2067C>G, p.Ser689Arg (NM_001168272.2, NM_002222.7); short protein forms S689R, S704R.
Identifiers: ClinVar variation 3005274 (VCV003005274.3), dbSNP rs1246247780, ClinGen allele CA351645138.

ClinVar aggregate classification (germline): Uncertain significance (1 of 4 stars; one submission).

Allele frequency attached by ClinVar (database versions not stated): TOPMed below 0.00001.
gnomAD v4.1: 1 of 1,610,832 alleles (0.000062%); highest among the groups gnomAD compares: Admixed American, 0.0017%; no homozygotes.

Submission:

Labcorp Genetics (formerly Invitae), Labcorp
Classification: Uncertain significance. Last evaluated: 2024-10-24. Review status: criteria provided, single submitter. Criteria: Invitae Variant Classification Sherloc (09022015). Collection method: clinical testing. Allele origin: germline.
Comment: This sequence change replaces serine, which is neutral and polar, with arginine, which is basic and polar, at codon 689 of the ITPR1 protein (p.Ser689Arg). This variant is present in population databases (no rsID available, gnomAD 0.003%). This variant has not been reported in the literature in individuals affected with ITPR1-related conditions. Invitae Evidence Modeling of protein sequence and biophysical properties (such as structural, functional, and spatial information, amino acid conservation, physicochemical variation, residue mobility, and thermodynamic stability) indicates that this missense variant is not expected to disrupt ITPR1 protein function with a negative predictive value of 95%. In summary, the available evidence is currently insufficient to determine the role of this variant in disease. Therefore, it has been classified as a Variant of Uncertain Significance.